The following is an entry in ClinVar:

ClinVar aggregate classification (germline): Uncertain significance. Review status: criteria provided, multiple submitters, no conflicts (2 of 4 stars). 2 submissions from 2 submitters: Uncertain significance (2). Last evaluated 2025-01-06.

Conditions:
Mucopolysaccharidosis, MPS-III-B (MPS3B). Also called: N-ACETYL-ALPHA-D-GLUCOSAMINIDASE DEFICIENCY; NAGLU DEFICIENCY; SANFILIPPO SYNDROME B; MPS III B; Mucopolysaccharidosis type IIIB (Sanfilippo B); MPS IIIB (Sanfilippo Syndrome Type B). Identifiers: Orphanet 79270, MedGen C0086648, MONDO:0009656, OMIM 252920.
Charcot-Marie-Tooth disease axonal type 2V. Also called: CHARCOT-MARIE-TOOTH NEUROPATHY, TYPE 2V; CHARCOT-MARIE-TOOTH DISEASE, AXONAL, AUTOSOMAL DOMINANT, TYPE 2V. Identifiers: Orphanet 447964, MedGen C5569050, MONDO:0014665, OMIM 616491.
NAGLU-related disorder. Also called: NAGLU-related condition.

Allele frequency attached by ClinVar (database versions not stated): gnomAD exomes below 0.00001.

Submissions (2):

PreventionGenetics, part of Exact Sciences
Classification: Uncertain significance for NAGLU-related condition. Last evaluated: 2025-01-06. Review status: criteria provided, single submitter. Criteria: ACMG Guidelines, 2015. Collection method: clinical testing. Allele origin: germline.
Comment: The NAGLU c.317C>T variant is predicted to result in the amino acid substitution p.Ser106Phe. To our knowledge, this variant has not been reported in the literature or in a large population database (gnomAD), indicating this variant is rare. At this time, the clinical significance of this variant is uncertain due to the absence of conclusive functional and genetic evidence.

Labcorp Genetics (formerly Invitae), Labcorp
Classification: Uncertain significance for Charcot-Marie-Tooth disease axonal type 2V; Mucopolysaccharidosis, MPS-III-B. Last evaluated: 2022-04-01. Review status: criteria provided, single submitter. Criteria: Invitae Variant Classification Sherloc (09022015). Collection method: clinical testing. Allele origin: germline.
Comment: This sequence change replaces serine, which is neutral and polar, with phenylalanine, which is neutral and non-polar, at codon 106 of the NAGLU protein (p.Ser106Phe). This variant is not present in population databases (gnomAD no frequency). This variant has not been reported in the literature in individuals affected with NAGLU-related conditions. Advanced modeling of protein sequence and biophysical properties (such as structural, functional, and spatial information, amino acid conservation, physicochemical variation, residue mobility, and thermodynamic stability) performed at Invitae indicates that this missense variant is not expected to disrupt NAGLU protein function. In summary, the available evidence is currently insufficient to determine the role of this variant in disease. Therefore, it has been classified as a Variant of Uncertain Significance.

NM_000263.4(NAGLU):c.317C>T (p.Ser106Phe)

Gene: NAGLU (N-acetyl-alpha-glucosaminidase; plus strand). Cytogenetic location: 17q21.2.
Variant type: single nucleotide variant.
Coding change: c.317C>T on transcript NM_000263.4 (MANE Select); coding-DNA position 317, C replaced by T.
Protein change: p.Ser106Phe; replaces serine 106 with phenylalanine.
Molecular consequence: missense variant.
Genome position (GRCh38, 1-based): chr17:42,536,589, C>T. VCF-style: chr17-42536589-C-T. GRCh37 (hg19) VCF-style: chr17-40688607-C-T.
Other names: c.317C>T (NM_000263.3); short protein forms S106F.
Identifiers: ClinVar variation 1912734 (VCV001912734.3), dbSNP rs2092906880, ClinGen allele CA399596067.